The following is an entry in ClinVar:

ClinVar aggregate classification (germline): Uncertain significance. Review status: criteria provided, single submitter (1 of 4 stars). 2 submissions from 2 submitters: Uncertain significance (1). 1 of the submissions does not count toward it. Last evaluated 2022-03-26.

Conditions:
Autism spectrum disorder - epilepsy - arthrogryposis syndrome (AMRS). Identifiers: Orphanet 370943, MedGen C3809910, MONDO:0014248, OMIM 615553.

Allele frequency attached by ClinVar (database versions not stated): ExAC 0.00001; gnomAD exomes 0.00001 and 0.00005; TOPMed 0.00011; gnomAD 0.00018 and 0.00019.
gnomAD v4.1: 43 of 1,552,834 alleles (0.0028%); highest among the groups gnomAD compares: Admixed American, 0.075%; no homozygotes.

Submissions (2):

Labcorp Genetics (formerly Invitae), Labcorp
Classification: Uncertain significance for Autism spectrum disorder - epilepsy - arthrogryposis syndrome. Last evaluated: 2022-03-26. Review status: criteria provided, single submitter. Criteria: Invitae Variant Classification Sherloc (09022015). Collection method: clinical testing. Allele origin: germline.
Comment: This sequence change replaces threonine, which is neutral and polar, with arginine, which is basic and polar, at codon 200 of the SLC35A3 protein (p.Thr200Arg). This variant is present in population databases (rs759966591, gnomAD 0.04%). This variant has not been reported in the literature in individuals affected with SLC35A3-related conditions. ClinVar contains an entry for this variant (Variation ID: 1017989). Algorithms developed to predict the effect of missense changes on protein structure and function are either unavailable or do not agree on the potential impact of this missense change (SIFT: "Deleterious"; PolyPhen-2: "Benign"; Align-GVGD: "Class C15"). In summary, the available evidence is currently insufficient to determine the role of this variant in disease. Therefore, it has been classified as a Variant of Uncertain Significance.

Natera, Inc.
Classification: Uncertain significance for Arthrogryposis, mental retardation, and seizures. Last evaluated: 2020-12-14. Review status: no assertion criteria provided. Collection method: clinical testing. Allele origin: germline. Not counted in ClinVar's aggregate classification.

NM_012243.3(SLC35A3):c.599C>G (p.Thr200Arg)

Gene: SLC35A3 (solute carrier family 35 member A3; plus strand). Cytogenetic location: 1p21.2.
Variant type: single nucleotide variant.
Coding change: c.599C>G on transcript NM_012243.3 (MANE Select); coding-DNA position 599, C replaced by G.
Protein change: p.Thr200Arg; replaces threonine 200 with arginine.
Molecular consequence: missense variant.
Genome position (GRCh38, 1-based): chr1:100,011,498, C>G. VCF-style: chr1-100011498-C-G. GRCh37 (hg19) VCF-style: chr1-100477054-C-G.
Other names: c.599C>G, p.Thr200Arg (NM_001271684.2); c.725C>G, p.Thr242Arg (NM_001271685.2); short protein forms T200R, T242R.
Identifiers: ClinVar variation 1017989 (VCV001017989.7), dbSNP rs759966591, ClinGen allele CA967622.